The following is an entry in ClinVar:

NM_005593.3(MYF5):c.138G>A (p.Leu46=)

Gene: MYF5 (myogenic factor 5; plus strand). Cytogenetic location: 12q21.31.
Variant type: single nucleotide variant.
Coding change: c.138G>A on transcript NM_005593.3 (MANE Select); coding-DNA position 138, G replaced by A.
Protein change: p.Leu46=; no amino-acid change (leucine 46 retained).
Molecular consequence: synonymous variant.
Genome position (GRCh38, 1-based): chr12:80,717,201, G>A. VCF-style: chr12-80717201-G-A. GRCh37 (hg19) VCF-style: chr12-81110980-G-A.
Identifiers: ClinVar variation 786930 (VCV000786930.6), dbSNP rs150287880, ClinGen allele CA6703216.

ClinVar aggregate classification (germline): Benign. Review status: criteria provided, multiple submitters, no conflicts (2 of 4 stars). 3 submissions from 3 submitters: Benign (2). 1 of the submissions does not count toward it. Last evaluated 2018-06-12.

Conditions:
MYF5-related disorder. Also called: MYF5-related condition.

Allele frequency attached by ClinVar (database versions not stated): ExAC 0.00063; 1000 Genomes Project 0.00220; ESP Exome Variant Server 0.00269; gnomAD 0.00247 and 0.00264; gnomAD exomes 0.00063; 1000 Genomes Project 30x 0.00219; TOPMed 0.00283.
gnomAD v4.1: 719 of 1,614,038 alleles (0.045%); highest among the groups gnomAD compares: African/African-American, 0.86%; 3 homozygotes.

Submissions (3):

Labcorp Genetics (formerly Invitae), Labcorp
Classification: Benign. Last evaluated: 2018-06-12. Review status: criteria provided, single submitter. Criteria: Invitae Variant Classification Sherloc (09022015). Collection method: clinical testing. Allele origin: germline.

Breakthrough Genomics
Classification: Benign. Review status: criteria provided, single submitter. Criteria: ACMG Guidelines, 2015. Collection method: not provided. Allele origin: germline. Inheritance: Autosomal recessive inheritance. Affected: yes.

PreventionGenetics, part of Exact Sciences
Classification: Benign for MYF5-related condition. Last evaluated: 2019-07-11. Review status: no assertion criteria provided. Collection method: clinical testing. Allele origin: germline. Not counted in ClinVar's aggregate classification.
Comment: This variant is classified as benign based on ACMG/AMP sequence variant interpretation guidelines (Richards et al. 2015 PMID: 25741868, with internal and published modifications).